The following is an entry in ClinVar:

ClinVar aggregate classification (germline): Uncertain significance (1 of 4 stars; one submission).

Conditions:
Charcot-Marie-Tooth disease type 4. Also called: Charcot-Marie-Tooth disease, type IV; Charcot-Marie-Tooth, Type 4. Identifiers: Orphanet 64749, MedGen C4082197, MONDO:0018995.

Allele frequency attached by ClinVar (database versions not stated): gnomAD exomes below 0.00001; ExAC 0.00001; TOPMed 0.00001.
gnomAD v4.1: 1 of 1,613,952 alleles (0.000062%); highest among the groups gnomAD compares: African/African-American, 0.0013%; no homozygotes.

Submission:

Labcorp Genetics (formerly Invitae), Labcorp
Classification: Uncertain significance for Charcot-Marie-Tooth disease type 4. Last evaluated: 2022-08-10. Review status: criteria provided, single submitter. Criteria: Invitae Variant Classification Sherloc (09022015). Collection method: clinical testing. Allele origin: germline.
Comment: This sequence change replaces leucine, which is neutral and non-polar, with phenylalanine, which is neutral and non-polar, at codon 1407 of the SBF2 protein (p.Leu1407Phe). This variant is present in population databases (rs761357466, gnomAD 0.007%). This variant has not been reported in the literature in individuals affected with SBF2-related conditions. Algorithms developed to predict the effect of missense changes on protein structure and function are either unavailable or do not agree on the potential impact of this missense change (SIFT: "Tolerated"; PolyPhen-2: "Possibly Damaging"; Align-GVGD: "Class C0"). In summary, the available evidence is currently insufficient to determine the role of this variant in disease. Therefore, it has been classified as a Variant of Uncertain Significance.

NM_030962.4(SBF2):c.4221G>C (p.Leu1407Phe)

Genes: SBF2 (SET binding factor 2; minus strand), SBF2-AS1 (SBF2 antisense RNA 1; plus strand). Cytogenetic location: 11p15.4.
Variant type: single nucleotide variant.
Coding change: c.4221G>C on transcript NM_030962.4 (MANE Select); coding-DNA position 4221, G replaced by C.
Protein change: p.Leu1407Phe; replaces leucine 1407 with phenylalanine.
Molecular consequence: missense variant. On other transcripts: non-coding transcript variant (1).
Genome position (GRCh38, 1-based): chr11:9,808,937, C>G on the plus strand (G>C on the coding strand, the complement: SBF2 is on the minus strand). VCF-style: chr11-9808937-C-G. GRCh37 (hg19) VCF-style: chr11-9830484-C-G.
Other names: c.4317G>C, p.Leu1439Phe (NM_001386339.1); c.4092G>C, p.Leu1364Phe (NM_001386342.1); short protein forms L1364F, L1439F, L1407F.
Identifiers: ClinVar variation 2078950 (VCV002078950.1), dbSNP rs761357466, ClinGen allele CA5881020.